The following is an entry in ClinVar:

ClinVar aggregate classification (germline): Uncertain significance (1 of 4 stars; one submission).

Allele frequency attached by ClinVar (database versions not stated): ExAC 0.00001; gnomAD exomes 0.00002; TOPMed 0.00002.

Submission:

Labcorp Genetics (formerly Invitae), Labcorp
Classification: Uncertain significance. Last evaluated: 2022-07-06. Review status: criteria provided, single submitter. Criteria: Invitae Variant Classification Sherloc (09022015). Collection method: clinical testing. Allele origin: germline.
Comment: This sequence change falls in intron 12 of the DENND5A gene. It does not directly change the encoded amino acid sequence of the DENND5A protein. It affects a nucleotide within the consensus splice site. This variant is present in population databases (rs776571721, gnomAD 0.02%). This variant has not been reported in the literature in individuals affected with DENND5A-related conditions. Variants that disrupt the consensus splice site are a relatively common cause of aberrant splicing (PMID: 17576681, 9536098). Algorithms developed to predict the effect of sequence changes on RNA splicing suggest that this variant is not likely to affect RNA splicing. In summary, the available evidence is currently insufficient to determine the role of this variant in disease. Therefore, it has been classified as a Variant of Uncertain Significance.

Literature cited by the submitters: PubMed 17576681; PubMed 9536098.

NM_015213.4(DENND5A):c.2436+5T>C

Gene: DENND5A (DENN domain containing 5A; minus strand). Cytogenetic location: 11p15.4.
Variant type: single nucleotide variant.
Coding change: c.2436+5T>C on transcript NM_015213.4 (MANE Select); 5 bases into the intron after coding-DNA position 2436, T replaced by C.
Molecular consequence: intron variant.
Genome position (GRCh38, 1-based): chr11:9,160,708, A>G on the plus strand (T>C on the coding strand, the complement: DENND5A is on the minus strand). VCF-style: chr11-9160708-A-G. GRCh37 (hg19) VCF-style: chr11-9182255-A-G.
Other names: c.2364+5T>C (NM_001348749.2); c.2436+5T>C (NM_001243254.2); c.2148+5T>C (NM_001348750.2).
Identifiers: ClinVar variation 2145550 (VCV002145550.1), dbSNP rs776571721, ClinGen allele CA5877354.